The following is an entry in ClinVar:

NM_020937.4(FANCM):c.5008C>T (p.Pro1670Ser)

Gene: FANCM (FA complementation group M; plus strand). Cytogenetic location: 14q21.2.
Variant type: single nucleotide variant.
Coding change: c.5008C>T on transcript NM_020937.4 (MANE Select); coding-DNA position 5008, C replaced by T.
Protein change: p.Pro1670Ser; replaces proline 1670 with serine.
Molecular consequence: missense variant.
Genome position (GRCh38, 1-based): chr14:45,189,030, C>T. VCF-style: chr14-45189030-C-T. GRCh37 (hg19) VCF-style: chr14-45658233-C-T.
Other names: c.4930C>T, p.Pro1644Ser (NM_001308133.2); c.5008C>T (NM_020937.2); short protein forms P1644S, P1670S.
Identifiers: ClinVar variation 1412447 (VCV001412447.7), dbSNP rs1594814972, ClinGen allele CA389611927.

ClinVar aggregate classification (germline): Uncertain significance. Review status: criteria provided, multiple submitters, no conflicts (2 of 4 stars). 2 submissions from 2 submitters: Uncertain significance (2). Last evaluated 2025-05-19.

Conditions:
Fanconi anemia (FA). Also called: Fanconi's anemia. Identifiers: Orphanet 84, MedGen C0015625, MeSH D005199, MONDO:0019391.
Inborn genetic diseases. Identifiers: MedGen C0950123, MeSH D030342.

Allele frequency attached by ClinVar (database versions not stated): gnomAD exomes below 0.00001.
gnomAD v4.1: 1 of 1,613,738 alleles (0.000062%); highest among the groups gnomAD compares: East Asian, 0.0022%; no homozygotes.

Submissions (2):

Ambry Genetics
Classification: Uncertain significance for Inborn genetic diseases. Last evaluated: 2025-05-19. Review status: criteria provided, single submitter. Criteria: Ambry Variant Classification Scheme 2023. Collection method: clinical testing. Allele origin: germline.

Labcorp Genetics (formerly Invitae), Labcorp
Classification: Uncertain significance for Fanconi anemia. Last evaluated: 2022-01-12. Review status: criteria provided, single submitter. Criteria: Invitae Variant Classification Sherloc (09022015). Collection method: clinical testing. Allele origin: germline.
Comment: In summary, the available evidence is currently insufficient to determine the role of this variant in disease. Therefore, it has been classified as a Variant of Uncertain Significance. Algorithms developed to predict the effect of missense changes on protein structure and function (SIFT, PolyPhen-2, Align-GVGD) all suggest that this variant is likely to be tolerated. This variant has not been reported in the literature in individuals affected with FANCM-related conditions. This variant is not present in population databases (gnomAD no frequency). This sequence change replaces proline, which is neutral and non-polar, with serine, which is neutral and polar, at codon 1670 of the FANCM protein (p.Pro1670Ser).